The following is an entry in ClinVar:

NM_005138.3(SCO2):c.107G>C (p.Trp36Ser)

Genes: NCAPH2 (non-SMC condensin II complex subunit H2; plus strand), SCO2 (synthesis of cytochrome C oxidase 2; minus strand). Cytogenetic location: 22q13.33.
Variant type: single nucleotide variant.
Coding change: c.107G>C on transcript NM_005138.3 (MANE Select); coding-DNA position 107, G replaced by C.
Protein change: p.Trp36Ser; replaces tryptophan 36 with serine.
Molecular consequence: missense variant. On other transcripts: 3 prime UTR variant (2).
Genome position (GRCh38, 1-based): chr22:50,524,305, C>G on the plus strand (G>C on the coding strand, the complement: SCO2 is on the minus strand). VCF-style: chr22-50524305-C-G. GRCh37 (hg19) VCF-style: chr22-50962734-C-G.
Other names: c.*930C>G (NM_001185011.2, NM_152299.4); c.107G>C, p.Trp36Ser (NM_001169109.2, NM_001169110.1, NM_001169111.2); short protein forms W36S.
Identifiers: ClinVar variation 1960323 (VCV001960323.5), dbSNP rs121908508, ClinGen allele CA412194233.
Genomic context (GRCh38, chr22:50,524,305, plus strand): 5'-CCAGGGCCCTGGGGCTGGCCCTGCCCACCTGTCTCTGCAGGGCCCTGCCTTGACAAAAGC[C>G]AGGACCTCAGATGCAGGGCCTGGCCTCCCAGGGTCCCAGGGAGGACCCGAGGCTTGAGCT-3'
Protein context (NP_005129.2, residues 26-46): LGGQALHLRS[Trp36Ser]LLSRQGPAET

ClinVar aggregate classification (germline): Uncertain significance (1 of 4 stars; one submission).

Allele frequency attached by ClinVar (database versions not stated): TOPMed below 0.00001.

Submission:

Labcorp Genetics (formerly Invitae), Labcorp
Classification: Uncertain significance. Last evaluated: 2023-11-27. Review status: criteria provided, single submitter. Criteria: Invitae Variant Classification Sherloc (09022015). Collection method: clinical testing. Allele origin: germline.
Comment: This sequence change replaces tryptophan, which is neutral and slightly polar, with serine, which is neutral and polar, at codon 36 of the SCO2 protein (p.Trp36Ser). This variant is not present in population databases (gnomAD no frequency). This variant has not been reported in the literature in individuals affected with SCO2-related conditions. ClinVar contains an entry for this variant (Variation ID: 1960323). An algorithm developed to predict the effect of missense changes on protein structure and function (PolyPhen-2) suggests that this variant is likely to be tolerated. In summary, the available evidence is currently insufficient to determine the role of this variant in disease. Therefore, it has been classified as a Variant of Uncertain Significance.